The following is an entry in ClinVar:

NM_000157.4(GBA1):c.1583T>C (p.Ile528Thr)

Genes: GBA1 (glucosylceramidase beta 1; minus strand), LOC106627981 (GBA recombination region; plus strand). Cytogenetic location: 1q22.
Variant type: single nucleotide variant.
Coding change: c.1583T>C on transcript NM_000157.4 (MANE Select); coding-DNA position 1583, T replaced by C.
Protein change: p.Ile528Thr; replaces isoleucine 528 with threonine.
Molecular consequence: missense variant.
Genome position (GRCh38, 1-based): chr1:155,235,023, A>G on the plus strand (T>C on the coding strand, the complement: GBA1 is on the minus strand). VCF-style: chr1-155235023-A-G. GRCh37 (hg19) VCF-style: chr1-155204814-A-G.
Other names: NP_000148.2:p.(I528T); c.1583T>C, p.Ile528Thr (NM_001005741.3, NM_001005742.3); c.1322T>C, p.Ile441Thr (NM_001171811.2); c.1436T>C, p.Ile479Thr (NM_001171812.2); short protein forms I441T, I479T, I528T.
Identifiers: ClinVar variation 4075428 (VCV004075428.1).
Genomic context (GRCh38, chr1:155,235,023, plus strand): 5'-TGAGCCCAGTGCCTCCTTGAGTATCTGCTCCATCACTGGCGACGCCACAGGTAGGTGTGA[A>G]TGGAGTAGCCAGGTGAGATTGTCTCCAGGAAGCCCACAGCAGGATCCTTGATGGTAAGAG-3'
Protein context (NP_000148.2, residues 518-536): FLETISPGYS[Ile528Thr]HTYLWRRQ

ClinVar aggregate classification (germline): Likely pathogenic (0 of 4 stars; one submission).

Conditions:
Gaucher disease type I (GD1). Also called: GD 1; Gaucher's disease, type 1; Type 1 Gaucher Disease; ACID BETA-GLUCOSIDASE DEFICIENCY; GAUCHER DISEASE, NONCEREBRAL JUVENILE; GBA DEFICIENCY. Identifiers: Orphanet 355, Orphanet 77259, MedGen C1961835, MONDO:0009265, OMIM 230800.

Submission:

Laboratório Nacional de Células Tronco Embrionárias, Instituto de Biociencias - Universidade de Sao Paulo
Classification: Likely pathogenic for Gaucher disease type I. Last evaluated: 2025-06-24. Review status: no assertion criteria provided. Collection method: research. Allele origin: inherited. Inheritance: Autosomal recessive inheritance. Affected: yes. Observed: 2 variant alleles.
Comment: This is the only variant detected at the GBA locus in this allele in compound heterozigosity (in trans) with a previously described variant of Gaucher disease - genotype N409S/I528T. Mutation detected and described in Rozenberg et al., 2006 (doi:10.1016/j.bcmd.2006.09.004). Based on these data and established disease mechanisms for GBA1, we classified it as likely pathogenic.

Literature cited by the submitters: DOI 10.1016/j.bcmd.2006.09.004.